The following is an entry in ClinVar:

ClinVar aggregate classification (germline): Conflicting classifications of pathogenicity. Review status: criteria provided, conflicting classifications (1 of 4 stars). 2 submissions from 2 submitters: Uncertain significance (1); Likely benign (1). Last evaluated 2022-08-13.

Conditions:
Cortical dysplasia-focal epilepsy syndrome (PTHSL1). Also called: Pitt-Hopkins-like syndrome 1. Identifiers: Orphanet 163681, Orphanet 221150, MedGen C2750246, MONDO:0012400, OMIM 610042.

Allele frequency attached by ClinVar (database versions not stated): TOPMed below 0.00001; ExAC 0.00002.
gnomAD v4.1: 7 of 1,558,446 alleles (0.00045%); highest among the groups gnomAD compares: Admixed American, 0.012%; no homozygotes.

Submissions (2):

Labcorp Genetics (formerly Invitae), Labcorp
Classification: Uncertain significance for Cortical dysplasia-focal epilepsy syndrome. Last evaluated: 2022-08-13. Review status: criteria provided, single submitter. Criteria: Invitae Variant Classification Sherloc (09022015). Collection method: clinical testing. Allele origin: germline.
Comment: This sequence change falls in intron 22 of the CNTNAP2 gene. It does not directly change the encoded amino acid sequence of the CNTNAP2 protein. It affects a nucleotide within the consensus splice site. This variant is present in population databases (rs773258369, gnomAD 0.02%). This variant has not been reported in the literature in individuals affected with CNTNAP2-related conditions. ClinVar contains an entry for this variant (Variation ID: 510850). Variants that disrupt the consensus splice site are a relatively common cause of aberrant splicing (PMID: 17576681, 9536098). Algorithms developed to predict the effect of sequence changes on RNA splicing suggest that this variant is not likely to affect RNA splicing. In summary, the available evidence is currently insufficient to determine the role of this variant in disease. Therefore, it has been classified as a Variant of Uncertain Significance.

GeneDx
Classification: Likely benign. Last evaluated: 2017-07-18. Review status: criteria provided, single submitter. Criteria: GeneDx Variant Classification (06012015). Collection method: clinical testing. Allele origin: germline. Affected: yes.
Comment: This variant is considered likely benign or benign based on one or more of the following criteria: it is a conservative change, it occurs at a poorly conserved position in the protein, it is predicted to be benign by multiple in silico algorithms, and/or has population frequency not consistent with disease.

Literature cited by the submitters: PubMed 17576681 (cited by Labcorp Genetics (formerly Invitae), Labcorp); PubMed 9536098 (cited by Labcorp Genetics (formerly Invitae), Labcorp).

NM_014141.6(CNTNAP2):c.3716-3C>T

Gene: CNTNAP2 (contactin associated protein 2; plus strand). Cytogenetic location: 7q36.1.
Variant type: single nucleotide variant.
Coding change: c.3716-3C>T on transcript NM_014141.6 (MANE Select); 3 bases into the intron before coding-DNA position 3716, C replaced by T.
Molecular consequence: intron variant.
Genome position (GRCh38, 1-based): chr7:148,409,388, C>T. VCF-style: chr7-148409388-C-T. GRCh37 (hg19) VCF-style: chr7-148106480-C-T.
Identifiers: ClinVar variation 510850 (VCV000510850.7), dbSNP rs773258369, ClinGen allele CA4546772.